The following is an entry in ClinVar:

NM_001927.4(DES):c.232C>T (p.Arg78Cys)

Gene: DES (desmin; plus strand). Cytogenetic location: 2q35.
Variant type: single nucleotide variant.
Coding change: c.232C>T on transcript NM_001927.4 (MANE Select); coding-DNA position 232, C replaced by T.
Protein change: p.Arg78Cys; replaces arginine 78 with cysteine.
Molecular consequence: missense variant.
Genome position (GRCh38, 1-based): chr2:219,418,694, C>T. VCF-style: chr2-219418694-C-T. GRCh37 (hg19) VCF-style: chr2-220283416-C-T.
Other names: c.232C>T, p.Arg78Cys (NM_001382708.1, NM_001382709.1, NM_001382710.1 and 3 more transcripts); short protein forms R78C.
Identifiers: ClinVar variation 2935196 (VCV002935196.4), dbSNP rs1276467459, ClinGen allele CA350684263.

ClinVar aggregate classification (germline): Uncertain significance. Review status: criteria provided, multiple submitters, no conflicts (2 of 4 stars). 2 submissions from 2 submitters: Uncertain significance (2). Last evaluated 2025-06-10.

Conditions:
Desmin-related myofibrillar myopathy (MFM1). Also called: Desminopathy; Desmin related myopathy (former name); Desmin storage myopathy (former name); MYOFIBRILLAR MYOPATHY WITH ARRHYTHMOGENIC RIGHT VENTRICULAR CARDIOMYOPATHY; Myofibrillar myopathy 1; DESMIN-RELATED MYOPATHY WITH ARRHYTHMOGENIC RIGHT VENTRICULAR CARDIOMYOPATHY. Identifiers: Orphanet 363543, Orphanet 98909, MedGen C1832370, MONDO:0011076, OMIM 601419.
Cardiovascular phenotype. Identifiers: MedGen CN230736.

Allele frequency attached by ClinVar (database versions not stated): gnomAD exomes below 0.00001.

Submissions (2):

Ambry Genetics
Classification: Uncertain significance for Cardiovascular phenotype. Last evaluated: 2025-06-10. Review status: criteria provided, single submitter. Criteria: Ambry Variant Classification Scheme 2023. Collection method: clinical testing. Allele origin: germline.
Comment: The p.R78C variant (also known as c.232C>T), located in coding exon 1 of the DES gene, results from a C to T substitution at nucleotide position 232. The arginine at codon 78 is replaced by cysteine, an amino acid with highly dissimilar properties. This amino acid position is conserved. In addition, the in silico prediction for this alteration is inconclusive. Based on the available evidence, the clinical significance of this variant remains unclear.

Labcorp Genetics (formerly Invitae), Labcorp
Classification: Uncertain significance for Desmin-related myofibrillar myopathy. Last evaluated: 2022-12-07. Review status: criteria provided, single submitter. Criteria: Invitae Variant Classification Sherloc (09022015). Collection method: clinical testing. Allele origin: germline.
Comment: In summary, the available evidence is currently insufficient to determine the role of this variant in disease. Therefore, it has been classified as a Variant of Uncertain Significance. Advanced modeling of protein sequence and biophysical properties (such as structural, functional, and spatial information, amino acid conservation, physicochemical variation, residue mobility, and thermodynamic stability) has been performed at Invitae for this missense variant, however the output from this modeling did not meet the statistical confidence thresholds required to predict the impact of this variant on DES protein function. This variant has not been reported in the literature in individuals affected with DES-related conditions. The frequency data for this variant in the population databases is considered unreliable, as metrics indicate poor data quality at this position in the gnomAD database. This sequence change replaces arginine, which is basic and polar, with cysteine, which is neutral and slightly polar, at codon 78 of the DES protein (p.Arg78Cys).